The following is an entry in ClinVar:

ClinVar aggregate classification (germline): Uncertain significance (1 of 4 stars; one submission).

Allele frequency attached by ClinVar (database versions not stated): gnomAD exomes below 0.00001.

Submission:

Labcorp Genetics (formerly Invitae), Labcorp
Classification: Uncertain significance. Last evaluated: 2023-10-13. Review status: criteria provided, single submitter. Criteria: Invitae Variant Classification Sherloc (09022015). Collection method: clinical testing. Allele origin: germline.
Comment: This sequence change affects a splice site in intron 17 of the IFT88 gene. It is expected to disrupt RNA splicing. Variants that disrupt the donor or acceptor splice site typically lead to a loss of protein function (PMID: 16199547), however the current clinical and genetic evidence is not sufficient to establish whether loss-of-function variants in IFT88 cause disease. This variant is not present in population databases (gnomAD no frequency). This variant has not been reported in the literature in individuals affected with IFT88-related conditions. ClinVar contains an entry for this variant (Variation ID: 1518435). Algorithms developed to predict the effect of sequence changes on RNA splicing suggest that this variant may disrupt the consensus splice site. In summary, the available evidence is currently insufficient to determine the role of this variant in disease. Therefore, it has been classified as a Variant of Uncertain Significance.

Literature cited by the submitters: PubMed 16199547.

NM_006531.5(IFT88):c.1299+1del

Gene: IFT88 (intraflagellar transport 88; plus strand). Cytogenetic location: 13q12.11.
Variant type: Deletion.
Coding change: c.1299+1del on transcript NM_006531.5 (MANE Select); the canonical splice donor site of the intron after coding-DNA position 1299, one base deleted (G; older notation c.1299+1delG).
Molecular consequence: splice donor variant.
Genome position (GRCh38, 1-based): chr13:20,625,850, G deleted. VCF-style (leftmost placement, unchanged base first): chr13-20625849-AG-A. GRCh37 (hg19) VCF-style: chr13-21199988-AG-A.
Other names: c.1326+1del (NM_001318493.2, NM_175605.5, NM_001353566.2 and 2 more transcripts); c.1299+1del (NM_001353568.2, NM_001353572.2); c.1224+1del (NM_001353570.2, NM_001353576.2, NM_001353577.2 and 1 more transcripts); c.1197+1del (NM_001353571.2, NM_001353578.2); c.666+1del (NM_001353579.2); c.1242+1del (NM_001353575.2, NM_001318491.2); c.1155+1del (NM_001353573.2); c.1140+1del (NM_001353574.2).
Identifiers: ClinVar variation 1518435 (VCV001518435.6), dbSNP rs2139959281, ClinGen allele CA2573149092.